The following is an entry in ClinVar:

NM_001267550.2(TTN):c.30224-7T>G

Gene: TTN (titin; minus strand). Cytogenetic location: 2q31.2.
Variant type: single nucleotide variant.
Coding change: c.30224-7T>G on transcript NM_001267550.2 (MANE Select); 7 bases into the intron before coding-DNA position 30224, T replaced by G.
Molecular consequence: intron variant.
Genome position (GRCh38, 1-based): chr2:178,702,670, A>C on the plus strand (T>G on the coding strand, the complement: TTN is on the minus strand). VCF-style: chr2-178702670-A-C. GRCh37 (hg19) VCF-style: chr2-179567397-A-C.
Other names: c.29273-7T>G (NM_001256850.1); c.13282+35412T>G (NM_003319.4); c.13858+35412T>G (NM_133437.4); c.13657+35412T>G (NM_133432.3); c.26492-7T>G (NM_133378.4).
Identifiers: ClinVar variation 290477 (VCV000290477.25), dbSNP rs778458915, ClinGen allele CA1999205.

ClinVar aggregate classification (germline): Conflicting classifications of pathogenicity. Review status: criteria provided, conflicting classifications (1 of 4 stars). 6 submissions from 6 submitters: Uncertain significance (2); Likely benign (3). 1 of the submissions does not count toward it. Last evaluated 2026-02-01.

Conditions:
TTN-related disorder. Also called: TTN-related disorders; TTN-related condition; TTN-related disease.
Autosomal recessive limb-girdle muscular dystrophy type 2J (LGMDR10). Also called: MUSCULAR DYSTROPHY, LIMB-GIRDLE, AUTOSOMAL RECESSIVE 10; Limb-girdle muscular dystrophy, type 2J. Identifiers: Orphanet 140922, MedGen C1837342, MONDO:0012127, OMIM 608807.
Dilated cardiomyopathy 1G (CMD1G). Identifiers: Orphanet 154, MedGen C1858763, MONDO:0011400, OMIM 604145.

Allele frequency attached by ClinVar (database versions not stated): gnomAD 0.00001; TOPMed 0.00005; ExAC 0.00011; gnomAD exomes 0.00015.
gnomAD v4.1: 42 of 1,610,694 alleles (0.0026%); highest among the groups gnomAD compares: Admixed American, 0.07%; no homozygotes.

Submissions (6):

CeGaT Center for Human Genetics Tuebingen
Classification: Uncertain significance. Last evaluated: 2026-02-01. Review status: criteria provided, single submitter. Criteria: CeGaT Center For Human Genetics Tuebingen Variant Classification Criteria Version 2. Collection method: clinical testing. Allele origin: germline. Affected: yes. Observed: 1 variant allele.
Comment: TTN: PM2, BP4

Labcorp Genetics (formerly Invitae), Labcorp
Classification: Likely benign for Dilated cardiomyopathy 1G; Autosomal recessive limb-girdle muscular dystrophy type 2J. Last evaluated: 2025-10-13. Review status: criteria provided, single submitter. Criteria: Invitae Variant Classification Sherloc (09022015). Collection method: clinical testing. Allele origin: germline.

Women's Health and Genetics/Laboratory Corporation of America, LabCorp
Classification: Likely benign. Last evaluated: 2025-07-28. Review status: criteria provided, single submitter. Criteria: LabCorp Variant Classification Summary - May 2015. Collection method: clinical testing. Allele origin: germline.

GeneDx
Classification: Likely benign. Last evaluated: 2019-11-04. Review status: criteria provided, single submitter. Criteria: GeneDx Variant Classification Process June 2021. Collection method: clinical testing. Allele origin: germline. Affected: yes.

Eurofins Ntd Llc (ga)
Classification: Uncertain significance. Last evaluated: 2016-09-26. Review status: criteria provided, single submitter. Criteria: EGL Classification Definitions 2015. Collection method: clinical testing. Allele origin: germline. Observed: 1 variant allele, 1 heterozygote.

PreventionGenetics, part of Exact Sciences
Classification: Likely benign for TTN-related condition. Last evaluated: 2019-09-10. Review status: no assertion criteria provided. Collection method: clinical testing. Allele origin: germline. Not counted in ClinVar's aggregate classification.
Comment: This variant is classified as likely benign based on ACMG/AMP sequence variant interpretation guidelines (Richards et al. 2015 PMID: 25741868, with internal and published modifications).